The following is an entry in ClinVar:

NM_203475.3(PORCN):c.49T>C (p.Cys17Arg)

Gene: PORCN (porcupine O-acyltransferase; plus strand). Cytogenetic location: Xp11.23.
Variant type: single nucleotide variant.
Coding change: c.49T>C on transcript NM_203475.3 (MANE Select); coding-DNA position 49, T replaced by C.
Protein change: p.Cys17Arg; replaces cysteine 17 with arginine.
Molecular consequence: missense variant. On other transcripts: 5 prime UTR variant (1).
Genome position (GRCh38, 1-based): chrX:48,509,869, T>C. VCF-style: chrX-48509869-T-C. GRCh37 (hg19) VCF-style: chrX-48368257-T-C.
Other names: c.-94T>C (NM_001282167.2); c.49T>C, p.Cys17Arg (NM_022825.4, NM_203473.3, NM_203474.1); short protein forms C17R.
Identifiers: ClinVar variation 521401 (VCV000521401.5), dbSNP rs1556973506, ClinGen allele CA412841498.

ClinVar aggregate classification (germline): Likely pathogenic (1 of 4 stars; one submission).

Conditions:
Inborn genetic diseases. Identifiers: MedGen C0950123, MeSH D030342.

Submission:

Ambry Genetics
Classification: Likely pathogenic for Inborn genetic diseases. Last evaluated: 2026-07-28. Review status: criteria provided, single submitter. Criteria: Ambry Variant Classification Scheme 2023. Collection method: clinical testing. Allele origin: germline.
Comment: The c.49T>C (p.C17R) alteration is located in exon 1 (coding exon 1) of the PORCN gene. This alteration results from a T to C substitution at nucleotide position 49, causing the cysteine (C) at amino acid position 17 to be replaced by an arginine (R). This variant was not reported in population-based cohorts in the Genome Aggregation Database (gnomAD). This amino acid position is highly conserved in available vertebrate species. This alteration is predicted to be deleterious by in silico analysis. Based on the available evidence, this alteration is classified as likely pathogenic.